The following is an entry in ClinVar:

ClinVar aggregate classification (germline): Uncertain significance (1 of 4 stars; one submission).

Conditions:
Fetal akinesia deformation sequence 1 (FADS1). Also called: Fetal akinesia sequence; Pena-Shokeir syndrome type I. Identifiers: Orphanet 994, MedGen C1276035, MONDO:0100101, OMIM 208150, HP:0001989.
Congenital myasthenic syndrome 9. Also called: Myasthenic syndrome, congenital, 9, associated with acetylcholine receptor deficiency. Identifiers: Orphanet 590, MedGen C4225368, MONDO:0014587, OMIM 616325.

Submission:

Labcorp Genetics (formerly Invitae), Labcorp
Classification: Uncertain significance for Congenital myasthenic syndrome 9; Fetal akinesia deformation sequence 1. Last evaluated: 2019-08-21. Review status: criteria provided, single submitter. Criteria: Invitae Variant Classification Sherloc (09022015). Collection method: clinical testing. Allele origin: germline.
Comment: In summary, the available evidence is currently insufficient to determine the role of this variant in disease. Therefore, it has been classified as a Variant of Uncertain Significance. Algorithms developed to predict the effect of missense changes on protein structure and function (SIFT, PolyPhen-2, Align-GVGD) all suggest that this variant is likely to be disruptive, but these predictions have not been confirmed by published functional studies and their clinical significance is uncertain. This variant has not been reported in the literature in individuals with MUSK-related conditions. This variant is not present in population databases (ExAC no frequency). This sequence change replaces serine with tryptophan at codon 616 of the MUSK protein (p.Ser616Trp). The serine residue is highly conserved and there is a large physicochemical difference between serine and tryptophan.

NM_005592.4(MUSK):c.1847C>G (p.Ser616Trp)

Gene: MUSK (muscle associated receptor tyrosine kinase; plus strand). Cytogenetic location: 9q31.3.
Variant type: single nucleotide variant.
Coding change: c.1847C>G on transcript NM_005592.4 (MANE Select); coding-DNA position 1847, C replaced by G.
Protein change: p.Ser616Trp; replaces serine 616 with tryptophan.
Molecular consequence: missense variant.
Genome position (GRCh38, 1-based): chr9:110,787,758, C>G. VCF-style: chr9-110787758-C-G. GRCh37 (hg19) VCF-style: chr9-113550038-C-G.
Other names: c.1589C>G, p.Ser530Trp (NM_001166280.2); c.1559C>G, p.Ser520Trp (NM_001166281.2); c.587C>G, p.Ser196Trp (NM_001369398.1); short protein forms S530W, S616W, S196W, S520W.
Identifiers: ClinVar variation 962239 (VCV000962239.10), dbSNP rs181652070, ClinGen allele CA374476455.